The following is an entry in ClinVar:

NM_000059.4(BRCA2):c.4930_4937del (p.Glu1644fs)

Gene: BRCA2 (BRCA2 DNA repair associated; plus strand). Cytogenetic location: 13q13.1.
Variant type: Deletion.
Coding change: c.4930_4937del on transcript NM_000059.4 (MANE Select); coding-DNA positions 4930 to 4937, 8 bases deleted (GAAAAAGA; older notation c.4930_4937delGAAAAAGA).
Protein change: p.Glu1644fs; shifts the reading frame from glutamic acid 1644.
Molecular consequence: frameshift variant.
Genome position (GRCh38, 1-based): chr13:32,339,285-32,339,292, GAAAAAGA deleted; deleting any 8 consecutive bases within chr13:32,339,284-32,339,292 gives the same sequence; the c. name uses the placement nearest the transcript's 3' end. VCF-style (leftmost placement, unchanged base first): chr13-32339283-TAGAAAAAG-T. GRCh37 (hg19) VCF-style: chr13-32913420-TAGAAAAAG-T.
Other names: 5158del8; c.4930_4937delGAAAAAGA (NM_000059.3).
Identifiers: ClinVar variation 266838 (VCV000266838.15), dbSNP rs886040554, ClinGen allele CA10589277.

ClinVar aggregate classification (germline): Pathogenic. Review status: reviewed by expert panel (3 of 4 stars). 4 submissions from 4 submitters: Pathogenic (1). 3 of the submissions do not count toward it. Last evaluated 2016-10-18.

Conditions:
Breast-ovarian cancer, familial, susceptibility to, 2 (BROVCA2). Also called: BRCA2 Hereditary Breast and Ovarian Cancer. Identifiers: Orphanet 145, MedGen C2675520, MONDO:0012933, OMIM 612555. Disease mechanism: loss of function.
Hereditary cancer-predisposing syndrome. Also called: Hereditary neoplastic syndrome; Neoplastic Syndromes, Hereditary; Tumor predisposition; Hereditary Cancer Syndrome. Identifiers: Orphanet 140162, MedGen C0027672, MeSH D009386, MONDO:0015356.
Hereditary breast ovarian cancer syndrome. Also called: BRCA1- and BRCA2-Associated Hereditary Breast and Ovarian Cancer; Hereditary breast and ovarian cancer; Breast and ovarian cancer; Hereditary breast and/or ovarian cancer syndrome; Hereditary breast and ovarian cancer syndrome; Hereditary breast and ovarian cancer syndrome (HBOC). Identifiers: Orphanet 145, MedGen C0677776, MeSH D061325, MONDO:0003582. Disease mechanism: loss of function.

Submissions (4):

Evidence-based Network for the Interpretation of Germline Mutant Alleles (ENIGMA)
Classification: Pathogenic for Breast-ovarian cancer, familial, susceptibility to, 2. Last evaluated: 2016-10-18. Review status: reviewed by expert panel. Criteria: ENIGMA BRCA1/2 Classification Criteria (2015). Collection method: curation. Allele origin: germline.
Comment: Variant allele predicted to encode a truncated non-functional protein.

Labcorp Genetics (formerly Invitae), Labcorp
Classification: Pathogenic for Hereditary breast ovarian cancer syndrome. Last evaluated: 2020-08-30. Review status: criteria provided, single submitter. Criteria: Invitae Variant Classification Sherloc (09022015). Collection method: clinical testing. Allele origin: germline. Not counted in ClinVar's aggregate classification.
Comment: This variant is not present in population databases (ExAC no frequency). For these reasons, this variant has been classified as Pathogenic. Loss-of-function variants in BRCA2 are known to be pathogenic (PMID: 20104584). This variant has been observed in an individual at risk of breast and ovarian cancer (PMID: 29446198). ClinVar contains an entry for this variant (Variation ID: 266838). This sequence change creates a premature translational stop signal (p.Glu1644Asnfs*19) in the BRCA2 gene. It is expected to result in an absent or disrupted protein product.

Ambry Genetics
Classification: Pathogenic for Hereditary cancer-predisposing syndrome. Last evaluated: 2016-12-06. Review status: criteria provided, single submitter. Criteria: Ambry Variant Classification Scheme 2023. Collection method: clinical testing. Allele origin: germline. Not counted in ClinVar's aggregate classification.
Comment: The c.4930_4937delGAAAAAGA pathogenic mutation, located in coding exon 10 of the BRCA2 gene, results from a deletion of 8 nucleotides at nucleotide positions 4930 to 4937, causing a translational frameshift with a predicted alternate stop codon (p.E1644Nfs*19). This alteration is expected to result in loss of function by premature protein truncation or nonsense-mediated mRNA decay. As such, this alteration is interpreted as a disease-causing mutation.

Consortium of Investigators of Modifiers of BRCA1/2 (CIMBA), c/o University of Cambridge
Classification: Pathogenic for Breast-ovarian cancer, familial, susceptibility to, 2. Last evaluated: 2015-10-02. Review status: criteria provided, single submitter. Criteria: CIMBA Mutation Classification guidelines May 2016. Collection method: clinical testing. Allele origin: germline. Not counted in ClinVar's aggregate classification.

Literature cited by the submitters: PubMed 20104584 (cited by Labcorp Genetics (formerly Invitae), Labcorp); PubMed 29446198 (cited by Labcorp Genetics (formerly Invitae), Labcorp).